The following is an entry in ClinVar:

ClinVar aggregate classification (germline): Uncertain significance (1 of 4 stars; one submission).

Submission:

Labcorp Genetics (formerly Invitae), Labcorp
Classification: Uncertain significance. Last evaluated: 2022-04-15. Review status: criteria provided, single submitter. Criteria: Invitae Variant Classification Sherloc (09022015). Collection method: clinical testing. Allele origin: germline.
Comment: In summary, the available evidence is currently insufficient to determine the role of this variant in disease. Therefore, it has been classified as a Variant of Uncertain Significance. Algorithms developed to predict the effect of missense changes on protein structure and function output the following: SIFT: "Deleterious"; PolyPhen-2: "Possibly Damaging"; Align-GVGD: "Class C65". The serine amino acid residue is found in multiple mammalian species, which suggests that this missense change does not adversely affect protein function. This variant has not been reported in the literature in individuals affected with OR2W3-related conditions. This variant is present in population databases (rs201811838, gnomAD 0.003%). This sequence change replaces alanine, which is neutral and non-polar, with serine, which is neutral and polar, at codon 183 of the OR2W3 protein (p.Ala183Ser).

NM_001001957.2(OR2W3):c.547G>T (p.Ala183Ser)

Gene: OR2W3 (olfactory receptor family 2 subfamily W member 3; plus strand). Cytogenetic location: 1q44.
Variant type: single nucleotide variant.
Coding change: c.547G>T on transcript NM_001001957.2 (MANE Select); coding-DNA position 547, G replaced by T.
Protein change: p.Ala183Ser; replaces alanine 183 with serine.
Molecular consequence: missense variant.
Genome position (GRCh38, 1-based): chr1:247,896,133, G>T. VCF-style: chr1-247896133-G-T. GRCh37 (hg19) VCF-style: chr1-248059435-G-T.
Other names: short protein forms A183S.
Identifiers: ClinVar variation 1932764 (VCV001932764.5), dbSNP rs201811838, ClinGen allele CA1498630.